The following is an entry in ClinVar:

NM_001399.5(EDA):c.795T>A (p.Asp265Glu)

Gene: EDA (ectodysplasin A; plus strand). Cytogenetic location: Xq13.1.
Variant type: single nucleotide variant.
Coding change: c.795T>A on transcript NM_001399.5 (MANE Select); coding-DNA position 795, T replaced by A.
Protein change: p.Asp265Glu; replaces aspartic acid 265 with glutamic acid.
Molecular consequence: missense variant. On other transcripts: intron variant (2).
Genome position (GRCh38, 1-based): chrX:70,033,399, T>A. VCF-style: chrX-70033399-T-A. GRCh37 (hg19) VCF-style: chrX-69253249-T-A.
Other names: c.795T>A, p.Asp265Glu (NM_001005609.2, NM_001440762.1); c.794-8T>A (NM_001440761.1, NM_001005612.3); short protein forms D265E.
Identifiers: ClinVar variation 4854327 (VCV004854327.1).

ClinVar aggregate classification (germline): Uncertain significance (1 of 4 stars; one submission).

Conditions:
Hypohidrotic X-linked ectodermal dysplasia (XHED). Also called: Ectodermal Dysplasia 1, Anhidrotic; Christ-Siemans-Touraine syndrome; ECTODERMAL DYSPLASIA, HYPOHIDROTIC, 1; CST SYNDROME; ECTODERMAL DYSPLASIA 1; Anhidrotic ectodermal dysplasia X-linked. Identifiers: Orphanet 181, Orphanet 238468, MedGen C0162359, MONDO:0010585, OMIM 305100.

Submission:

3billion
Classification: Uncertain significance for Hypohidrotic X-linked ectodermal dysplasia. Last evaluated: 2025-10-02. Review status: criteria provided, single submitter. Criteria: ACMG Guidelines, 2015. Collection method: clinical testing. Allele origin: germline. Affected: yes.
Comment: The variant is not observed in the gnomAD v4.1.0 dataset. Predicted Consequence/Location: Missense variant In silico tool predictions suggest damaging effect of the variant on gene or gene product [REVEL: 0.76 (>=0.6, sensitivity 0.68 and specificity 0.92); 3Cnet: 0.99 (> 0.75, sensitivity 0.96 and precision 0.92)]. Different missense changes at the same codon (p.Asp265Gly, p.Asp265Tyr) have been reported to be associated with EDA-related disorder (PMID: 25333067, 27305980). However the evidence of pathogenicity is insufficient at this time. Therefore, this variant is classified as VUS according to the recommendation of ACMG/AMP guideline.

Literature cited by the submitters: PubMed 25333067.